The following is an entry in ClinVar:

ClinVar aggregate classification (germline): Likely pathogenic (1 of 4 stars; one submission).

Submission:

Genetic Services Laboratory, University of Chicago
Classification: Likely pathogenic. Last evaluated: 2024-04-23. Review status: criteria provided, single submitter. Criteria: ACMG Guidelines, 2015. Collection method: clinical testing. Allele origin: germline. Affected: yes.
Comment: DNA sequence analysis of the TUBB1 gene demonstrated a sequence change, c.579dup, which results in the creation of a premature stop codon at amino acid position 194, p.Glu194*. This likely pathogenic sequence change is predicted to result in an abnormal transcript, which may be degraded, or may lead to the production of a truncated TUBB1 protein with potentially abnormal function. This sequence change has also not been described in the population databases such as ExAC and gnomAD. While this sequence change does not appear to have been previously described in individuals with TUBB1-related disorders, other truncating variants in TUBB1 have been reported in individuals with thrombocytopenia (PMID: 32757236, 31064749, 27905099). These collective evidences indicate that this sequence change is likely pathogenic, however functional studies have not been performed to prove this conclusively.

NM_030773.4(TUBB1):c.579dup (p.Glu194Ter)

Gene: TUBB1 (tubulin beta 1 class VI; plus strand). Cytogenetic location: 20q13.32.
Variant type: Duplication.
Coding change: c.579dup on transcript NM_030773.4 (MANE Select); coding-DNA position 579, one base duplicated (T; older notation c.579dupT).
Protein change: p.Glu194Ter; replaces glutamic acid 194 with a stop codon.
Molecular consequence: nonsense.
Genome position (GRCh38, 1-based): chr20:59,024,006, T duplicated; the last of 2 consecutive T bases (chr20:59,024,005-59,024,006); duplicating either gives the same sequence. VCF-style (leftmost placement, unchanged base first): chr20-59024004-A-AT. GRCh37 (hg19) VCF-style: chr20-57599059-A-AT.
Other names: short protein forms E194*.
Identifiers: ClinVar variation 4082538 (VCV004082538.2).